The following is an entry in ClinVar:

ClinVar aggregate classification (germline): Uncertain significance (1 of 4 stars; one submission).

Conditions:
Dyskeratosis congenita, autosomal recessive 5 (DKCB5). Identifiers: MedGen C3554656, MONDO:0014076, OMIM 615190.
Pulmonary fibrosis and/or bone marrow failure, Telomere-related, 3. Also called: PULMONARY FIBROSIS AND/OR BONE MARROW FAILURE SYNDROME, TELOMERE-RELATED, 3. Identifiers: Orphanet 2032, MedGen C4225346, MONDO:0014613, OMIM 616373.

gnomAD v4.1: 2 of 1,612,102 alleles (0.00012%); highest among the groups gnomAD compares: Non-Finnish European, 0.000085%; no homozygotes.

Submission:

Labcorp Genetics (formerly Invitae), Labcorp
Classification: Uncertain significance for Dyskeratosis congenita, autosomal recessive 5; Pulmonary fibrosis and/or bone marrow failure, Telomere-related, 3. Last evaluated: 2025-09-28. Review status: criteria provided, single submitter. Criteria: Invitae Variant Classification Sherloc (09022015). Collection method: clinical testing. Allele origin: germline.
Comment: This sequence change replaces glutamine, which is neutral and polar, with arginine, which is basic and polar, at codon 34 of the RTEL1 protein (p.Gln34Arg). This variant is not present in population databases (gnomAD no frequency). This variant has not been reported in the literature in individuals affected with RTEL1-related conditions. An algorithm developed to predict the effect of missense changes on protein structure and function (PolyPhen-2) suggests that this variant is likely to be tolerated. Algorithms developed to predict the effect of sequence changes on RNA splicing suggest that this variant may disrupt the consensus splice site. In summary, the available evidence is currently insufficient to determine the role of this variant in disease. Therefore, it has been classified as a Variant of Uncertain Significance.

NM_001283009.2(RTEL1):c.101A>G (p.Gln34Arg)

Genes: RTEL1 (regulator of telomere elongation helicase 1; plus strand), RTEL1-TNFRSF6B (RTEL1-TNFRSF6B readthrough (NMD candidate); plus strand). Cytogenetic location: 20q13.33.
Variant type: single nucleotide variant.
Coding change: c.101A>G on transcript NM_001283009.2 (MANE Select); coding-DNA position 101, A replaced by G.
Protein change: p.Gln34Arg; replaces glutamine 34 with arginine.
Molecular consequence: missense variant. On other transcripts: non-coding transcript variant (1), intron variant (1).
Genome position (GRCh38, 1-based): chr20:63,659,503, A>G. VCF-style: chr20-63659503-A-G. GRCh37 (hg19) VCF-style: chr20-62290856-A-G.
Other names: c.101A>G, p.Gln34Arg (NM_016434.4, NM_032957.5); c.-568+1044A>G (NM_001283010.1); short protein forms Q34R.
Identifiers: ClinVar variation 4788840 (VCV004788840.1).